The following is an entry in ClinVar:

NM_212482.4(FN1):c.5914A>G (p.Ile1972Val)

Genes: FN1 (fibronectin 1; minus strand), LOC126806496 (CDK7 strongly-dependent group 2 enhancer GRCh37_chr2:216240057-216241256; plus strand). Cytogenetic location: 2q35.
Variant type: single nucleotide variant.
Coding change: c.5914A>G on transcript NM_212482.4 (MANE Select); coding-DNA position 5914, A replaced by G.
Protein change: p.Ile1972Val; replaces isoleucine 1972 with valine.
Molecular consequence: missense variant.
Genome position (GRCh38, 1-based): chr2:215,375,692, T>C on the plus strand (A>G on the coding strand, the complement: FN1 is on the minus strand). VCF-style: chr2-215375692-T-C. GRCh37 (hg19) VCF-style: chr2-216240415-T-C.
Other names: c.5914A>G, p.Ile1972Val (NM_001306129.2); c.5644A>G, p.Ile1882Val (NM_001306130.2, NM_001365517.2, NM_001365519.2 and 2 more transcripts); c.5371A>G, p.Ile1791Val (NM_001306131.2, NM_001306132.2, NM_001365523.2 and 2 more transcripts); c.5641A>G, p.Ile1881Val (NM_001365518.2, NM_001365520.2, NM_001365524.2 and 2 more transcripts); short protein forms I1791V, I1881V, I1882V, I1972V.
Identifiers: ClinVar variation 3585435 (VCV003585435.3).
Genomic context (GRCh38, chr2:215,375,692, plus strand): 5'-TGGAGGCGTCGATGACCACAGGGGAGCTCCGAGCATTGTCATTCAAGGTGTACAGGTAGA[T>C]CTTGTAGTCAGTGCCTGGTTGTAAACCTGGGATTTGAGAAGAGATGATTTTTAACAGTTC-3'
Protein context (NP_997647.2, residues 1962-1982): TGLQPGTDYK[Ile1972Val]YLYTLNDNAR

ClinVar aggregate classification (germline): Uncertain significance. Review status: criteria provided, multiple submitters, no conflicts (2 of 4 stars). 2 submissions from 2 submitters: Uncertain significance (2). Last evaluated 2024-10-25.

Conditions:
Glomerulopathy with fibronectin deposits 2 (GFND2). Identifiers: Orphanet 84090, MedGen C1866075, MONDO:0011165, OMIM 601894.
Spondylometaphyseal dysplasia - Sutcliffe type. Also called: Sutcliffe type of spondylometaphyseal dysplasia; Sutcliffe SMD; Spondylometaphyseal dysplasia, 'corner fracture' type; Spondylometaphyseal Dysplasia, Corner Fracture Type. Identifiers: Orphanet 93315, MedGen C0432221, MONDO:0008479, OMIM 184255.

gnomAD v4.1: 3 of 1,612,434 alleles (0.00019%); highest among the groups gnomAD compares: African/African-American, 0.0013%; no homozygotes.

Submissions (2):

Labcorp Genetics (formerly Invitae), Labcorp
Classification: Uncertain significance. Last evaluated: 2024-10-25. Review status: criteria provided, single submitter. Criteria: Invitae Variant Classification Sherloc (09022015). Collection method: clinical testing. Allele origin: germline.
Comment: This sequence change replaces isoleucine, which is neutral and non-polar, with valine, which is neutral and non-polar, at codon 1972 of the FN1 protein (p.Ile1972Val). This variant is not present in population databases (gnomAD no frequency). This variant has not been reported in the literature in individuals affected with FN1-related conditions. An algorithm developed to predict the effect of missense changes on protein structure and function (PolyPhen-2) suggests that this variant is likely to be disruptive. In summary, the available evidence is currently insufficient to determine the role of this variant in disease. Therefore, it has been classified as a Variant of Uncertain Significance.

Fulgent Genetics
Classification: Uncertain significance for Spondylometaphyseal dysplasia - Sutcliffe type; Glomerulopathy with fibronectin deposits 2. Last evaluated: 2024-03-04. Review status: criteria provided, single submitter. Criteria: ACMG Guidelines, 2015. Collection method: clinical testing. Allele origin: germline.